The following is an entry in ClinVar:

ClinVar aggregate classification (germline): Conflicting classifications of pathogenicity. Review status: criteria provided, conflicting classifications (1 of 4 stars). 2 submissions from 2 submitters: Likely pathogenic (1); Uncertain significance (1). Last evaluated 2026-03-09.

Conditions:
Short stature, microcephaly, and endocrine dysfunction (SSMED). Identifiers: Orphanet 436182, MedGen C4225288, MONDO:0014686, OMIM 616541.
Inborn genetic diseases. Identifiers: MedGen C0950123, MeSH D030342.

Submissions (2):

Department of Molecular Genetics, Istishari Arab Hospital
Classification: Likely pathogenic for Short stature, microcephaly, and endocrine dysfunction. Last evaluated: 2026-03-09. Review status: criteria provided, single submitter. Criteria: ACMG Guidelines, 2015. Collection method: clinical testing. Allele origin: germline. Inheritance: Autosomal recessive inheritance. Affected: yes.
Comment: The XRCC4 variant c.561G>T, p.Lys187Asn creates an amino acid change from Lys to Asn at position 187. This variant is not observed in the gnomAD v4.1.0 dataset and to the best of our knowledge, it was not previously reported in literature. It is classified as likely pathogenic based on ACMG/AMP/ClinGen SVI guidelines.

Ambry Genetics
Classification: Uncertain significance for Inborn genetic diseases. Last evaluated: 2023-09-12. Review status: criteria provided, single submitter. Criteria: Ambry Variant Classification Scheme 2023. Collection method: clinical testing. Allele origin: germline.

NM_003401.5(XRCC4):c.561G>T (p.Lys187Asn)

Gene: XRCC4 (X-ray repair cross complementing 4; plus strand). Cytogenetic location: 5q14.2.
Variant type: single nucleotide variant.
Coding change: c.561G>T on transcript NM_003401.5 (MANE Select); coding-DNA position 561, G replaced by T.
Protein change: p.Lys187Asn; replaces lysine 187 with asparagine.
Molecular consequence: missense variant.
Genome position (GRCh38, 1-based): chr5:83,203,630, G>T. VCF-style: chr5-83203630-G-T. GRCh37 (hg19) VCF-style: chr5-82499449-G-T.
Other names: p.Lys187Asn; c.561G>T, p.Lys187Asn (NM_001131022.1, NM_001318012.3, NM_001318013.2 and 2 more transcripts); short protein forms K187N.
Identifiers: ClinVar variation 2622446 (VCV002622446.3), dbSNP rs2479871443, ClinGen allele CA360358926.